The following is an entry in ClinVar:

ClinVar aggregate classification (germline): Conflicting classifications of pathogenicity. Review status: criteria provided, conflicting classifications (1 of 4 stars). 2 submissions from 2 submitters: Likely pathogenic (1); Uncertain significance (1). Last evaluated 2022-01-20.

Conditions:
Congenital myasthenic syndrome 12 (CMS12). Also called: Myasthenia, congenital, 12, with tubular aggregates; MYASTHENIC SYNDROME, CONGENITAL, WITH TUBULAR AGGREGATES 1. Identifiers: Orphanet 353327, Orphanet 590, MedGen C3552335, MONDO:0012518, OMIM 610542.

Allele frequency attached by ClinVar (database versions not stated): gnomAD exomes below 0.00001 and 0.00001; ExAC 0.00002; gnomAD 0.00002; TOPMed 0.00002; ESP Exome Variant Server 0.00008.
gnomAD v4.1: 7 of 1,613,736 alleles (0.00043%); highest among the groups gnomAD compares: Non-Finnish European, 0.00059%; no homozygotes.

Submissions (2):

GeneDx
Classification: Likely pathogenic. Last evaluated: 2022-01-20. Review status: criteria provided, single submitter. Criteria: GeneDx Variant Classification Process June 2021. Collection method: clinical testing. Allele origin: germline. Affected: yes.
Comment: Has not been previously published as pathogenic or benign to our knowledge; The majority of missense variants in this gene are considered pathogenic (HGMD); Not observed at significant frequency in large population cohorts (gnomAD); In silico analysis supports that this missense variant has a deleterious effect on protein structure/function

Labcorp Genetics (formerly Invitae), Labcorp
Classification: Uncertain significance for Congenital myasthenic syndrome 12. Last evaluated: 2021-08-28. Review status: criteria provided, single submitter. Criteria: Invitae Variant Classification Sherloc (09022015). Collection method: clinical testing. Allele origin: germline.
Comment: This sequence change replaces valine with methionine at codon 627 of the GFPT1 protein (p.Val627Met). The valine residue is moderately conserved and there is a small physicochemical difference between valine and methionine. This variant is present in population databases (rs372725563, ExAC 0.003%). This variant has not been reported in the literature in individuals affected with GFPT1-related conditions. ClinVar contains an entry for this variant (Variation ID: 421829). Algorithms developed to predict the effect of missense changes on protein structure and function are either unavailable or do not agree on the potential impact of this missense change (SIFT: "Deleterious"; PolyPhen-2: "Probably Damaging"; Align-GVGD: "Class C0"). In summary, the available evidence is currently insufficient to determine the role of this variant in disease. Therefore, it has been classified as a Variant of Uncertain Significance.

NM_001244710.2(GFPT1):c.1879G>A (p.Val627Met)

Gene: GFPT1 (glutamine--fructose-6-phosphate transaminase 1; minus strand). Cytogenetic location: 2p13.3.
Variant type: single nucleotide variant.
Coding change: c.1879G>A on transcript NM_001244710.2 (MANE Select); coding-DNA position 1879, G replaced by A.
Protein change: p.Val627Met; replaces valine 627 with methionine.
Molecular consequence: missense variant.
Genome position (GRCh38, 1-based): chr2:69,328,285, C>T on the plus strand (G>A on the coding strand, the complement: GFPT1 is on the minus strand). VCF-style: chr2-69328285-C-T. GRCh37 (hg19) VCF-style: chr2-69555417-C-T.
Other names: c.1825G>A, p.Val609Met (NM_002056.4); short protein forms V609M, V627M.
Identifiers: ClinVar variation 421829 (VCV000421829.11), dbSNP rs372725563, ClinGen allele CA1693558.